The following is an entry in ClinVar:

ClinVar aggregate classification (germline): Pathogenic (1 of 4 stars; one submission).

Submission:

Labcorp Genetics (formerly Invitae), Labcorp
Classification: Pathogenic. Last evaluated: 2024-07-24. Review status: criteria provided, single submitter. Criteria: Invitae Variant Classification Sherloc (09022015). Collection method: clinical testing. Allele origin: germline.
Comment: This sequence change replaces cysteine, which is neutral and slightly polar, with arginine, which is basic and polar, at codon 177 of the ENPP1 protein (p.Cys177Arg). This variant is not present in population databases (gnomAD no frequency). This missense change has been observed in individual(s) with clinical features of autosomal dominant Cole disease (Invitae). In at least one individual the variant was observed to be de novo. Advanced modeling of protein sequence and biophysical properties (such as structural, functional, and spatial information, amino acid conservation, physicochemical variation, residue mobility, and thermodynamic stability) performed at Invitae indicates that this missense variant is expected to disrupt ENPP1 protein function with a positive predictive value of 80%. This variant disrupts the p.Cys177 amino acid residue in ENPP1. Other variant(s) that disrupt this residue have been determined to be pathogenic (PMID: 24075184, 26617416). This suggests that this residue is clinically significant, and that variants that disrupt this residue are likely to be disease-causing. For these reasons, this variant has been classified as Pathogenic.

Literature cited by the submitters: PubMed 24075184; PubMed 26617416.

NM_006208.3(ENPP1):c.529T>C (p.Cys177Arg)

Gene: ENPP1 (ectonucleotide pyrophosphatase/phosphodiesterase 1; plus strand). Cytogenetic location: 6q23.2.
Variant type: single nucleotide variant.
Coding change: c.529T>C on transcript NM_006208.3 (MANE Select); coding-DNA position 529, T replaced by C.
Protein change: p.Cys177Arg; replaces cysteine 177 with arginine.
Molecular consequence: missense variant.
Genome position (GRCh38, 1-based): chr6:131,851,240, T>C. VCF-style: chr6-131851240-T-C. GRCh37 (hg19) VCF-style: chr6-132172380-T-C.
Other names: short protein forms C177R.
Identifiers: ClinVar variation 3654422 (VCV003654422.2).